The following is an entry in ClinVar:

NM_012452.3(TNFRSF13B):c.777G>A (p.Trp259Ter)

Gene: TNFRSF13B (TNF receptor superfamily member 13B; minus strand). Cytogenetic location: 17p11.2.
Variant type: single nucleotide variant.
Coding change: c.777G>A on transcript NM_012452.3 (MANE Select); coding-DNA position 777, G replaced by A.
Protein change: p.Trp259Ter; replaces tryptophan 259 with a stop codon.
Molecular consequence: nonsense.
Genome position (GRCh38, 1-based): chr17:16,939,652, C>T on the plus strand (G>A on the coding strand, the complement: TNFRSF13B is on the minus strand). VCF-style: chr17-16939652-C-T. GRCh37 (hg19) VCF-style: chr17-16842966-C-T.
Other names: short protein forms W259*.
Identifiers: ClinVar variation 1355630 (VCV001355630.6), dbSNP rs1473965551, ClinGen allele CA398519045.

ClinVar aggregate classification (germline): Uncertain significance (1 of 4 stars; one submission).

Conditions:
Immunodeficiency, common variable, 2 (CVID2). Also called: HYPOGAMMAGLOBULINEMIA DUE TO TACI DEFICIENCY; ANTIBODY DEFICIENCY DUE TO TACI DEFECT. Identifiers: Orphanet 1572, MedGen C3150354, MONDO:0009413, OMIM 240500.

Allele frequency attached by ClinVar (database versions not stated): gnomAD exomes below 0.00001.
gnomAD v4.1: 2 of 1,612,678 alleles (0.00012%); highest among the groups gnomAD compares: Non-Finnish European, 0.00017%; no homozygotes.

Submission:

Labcorp Genetics (formerly Invitae), Labcorp
Classification: Uncertain significance for Immunodeficiency, common variable, 2. Last evaluated: 2022-07-19. Review status: criteria provided, single submitter. Criteria: Invitae Variant Classification Sherloc (09022015). Collection method: clinical testing. Allele origin: germline.
Comment: In summary, the available evidence is currently insufficient to determine the role of this variant in disease. Therefore, it has been classified as a Variant of Uncertain Significance. Experimental studies and prediction algorithms are not available or were not evaluated, and the functional significance of this variant is currently unknown. ClinVar contains an entry for this variant (Variation ID: 1355630). This variant has not been reported in the literature in individuals affected with TNFRSF13B-related conditions. This variant is not present in population databases (gnomAD no frequency). This sequence change creates a premature translational stop signal (p.Trp259*) in the TNFRSF13B gene. While this is not anticipated to result in nonsense mediated decay, it is expected to disrupt the last 35 amino acid(s) of the TNFRSF13B protein.